The following is an entry in ClinVar:

NM_001347721.2(DYRK1A):c.427G>A (p.Gly143Arg)

Gene: DYRK1A (dual specificity tyrosine phosphorylation regulated kinase 1A; plus strand). Cytogenetic location: 21q22.13.
Variant type: single nucleotide variant.
Coding change: c.427G>A on transcript NM_001347721.2 (MANE Select); coding-DNA position 427, G replaced by A.
Protein change: p.Gly143Arg; replaces glycine 143 with arginine.
Molecular consequence: missense variant.
Genome position (GRCh38, 1-based): chr21:37,480,764, G>A. VCF-style: chr21-37480764-G-A. GRCh37 (hg19) VCF-style: chr21-38853066-G-A.
Other names: c.427G>A, p.Gly143Arg (NM_001347722.2, NM_130436.2); c.340G>A, p.Gly114Arg (NM_001347723.2); c.454G>A, p.Gly152Arg (NM_001396.5, NM_101395.2, NM_130438.2); short protein forms G143R, G114R, G152R.
Identifiers: ClinVar variation 2875575 (VCV002875575.3), dbSNP rs1463551651, ClinGen allele CA409944458.
Genomic context (GRCh38, chr21:37,480,764, plus strand): 5'-GAACGGAAGGTTTACAATGATGGTTATGATGATGATAACTATGATTATATTGTAAAAAAC[G>A]GAGAAAAGTGGATGGATCGTTACGAAATTGACTCCTTGATAGGCAAAGGTTCCTTTGGAC-3'
Protein context (NP_001334650.1, residues 133-153): DDNYDYIVKN[Gly143Arg]EKWMDRYEID

ClinVar aggregate classification (germline): Uncertain significance (1 of 4 stars; one submission).

Conditions:
DYRK1A-related intellectual disability syndrome (MRD7). Also called: DYRK1A Syndrome; Intellectual developmental disorder, autosomal dominant 7. Identifiers: Orphanet 464306, MedGen C5568143, MONDO:0013578, OMIM 614104.

gnomAD v4.1: 3 of 1,612,096 alleles (0.00019%); highest among the groups gnomAD compares: South Asian, 0.0011%; no homozygotes.

Submission:

Labcorp Genetics (formerly Invitae), Labcorp
Classification: Uncertain significance for DYRK1A-related intellectual disability syndrome. Last evaluated: 2023-01-31. Review status: criteria provided, single submitter. Criteria: Invitae Variant Classification Sherloc (09022015). Collection method: clinical testing. Allele origin: germline.
Comment: This variant has not been reported in the literature in individuals affected with DYRK1A-related conditions. This sequence change replaces glycine, which is neutral and non-polar, with arginine, which is basic and polar, at codon 152 of the DYRK1A protein (p.Gly152Arg). This variant is not present in population databases (gnomAD no frequency). Advanced modeling of protein sequence and biophysical properties (such as structural, functional, and spatial information, amino acid conservation, physicochemical variation, residue mobility, and thermodynamic stability) performed at Invitae indicates that this missense variant is not expected to disrupt DYRK1A protein function. In summary, the available evidence is currently insufficient to determine the role of this variant in disease. Therefore, it has been classified as a Variant of Uncertain Significance.